The following is an entry in ClinVar:

NM_025179.4(PLXNA2):c.5446G>A (p.Ala1816Thr)

Gene: PLXNA2 (plexin A2; minus strand). Cytogenetic location: 1q32.2.
Variant type: single nucleotide variant.
Coding change: c.5446G>A on transcript NM_025179.4 (MANE Select); coding-DNA position 5446, G replaced by A.
Protein change: p.Ala1816Thr; replaces alanine 1816 with threonine.
Molecular consequence: missense variant.
Genome position (GRCh38, 1-based): chr1:208,028,152, C>T on the plus strand (G>A on the coding strand, the complement: PLXNA2 is on the minus strand). VCF-style: chr1-208028152-C-T. GRCh37 (hg19) VCF-style: chr1-208201497-C-T.
Other names: c.5446G>A (NM_025179.3); short protein forms A1816T.
Identifiers: ClinVar variation 2726532 (VCV002726532.4), dbSNP rs370357486, ClinGen allele CA1372549.

ClinVar aggregate classification (germline): Uncertain significance. Review status: criteria provided, multiple submitters, no conflicts (2 of 4 stars). 2 submissions from 2 submitters: Uncertain significance (2). Last evaluated 2026-07-08.

Conditions:
PLXNA2-related disorder. Also called: PLXNA2-related condition.

Allele frequency attached by ClinVar (database versions not stated): gnomAD 0.00001; ExAC 0.00003; TOPMed 0.00003; ESP Exome Variant Server 0.00008.
gnomAD v4.1: 18 of 1,610,550 alleles (0.0011%); highest among the groups gnomAD compares: Admixed American, 0.0034%; no homozygotes.

Submissions (2):

PreventionGenetics, part of Exact Sciences
Classification: Uncertain significance for PLXNA2-related condition. Last evaluated: 2026-07-08. Review status: criteria provided, single submitter. Criteria: ACMG Guidelines, 2015. Collection method: clinical testing. Allele origin: germline.
Comment: The PLXNA2 c.5446G>A variant is predicted to result in the amino acid substitution p.Ala1816Thr. To our knowledge, this variant has not been reported in the literature. This variant is reported in 0.0059% of alleles in individuals of Latino descent in gnomAD. Although we suspect that this variant may be benign, at this time, the clinical significance of this variant is uncertain due to the absence of conclusive functional and genetic evidence.

Labcorp Genetics (formerly Invitae), Labcorp
Classification: Uncertain significance. Last evaluated: 2023-08-24. Review status: criteria provided, single submitter. Criteria: Invitae Variant Classification Sherloc (09022015). Collection method: clinical testing. Allele origin: germline.
Comment: This variant has not been reported in the literature in individuals affected with PLXNA2-related conditions. This variant is present in population databases (rs370357486, gnomAD 0.006%). This sequence change replaces alanine, which is neutral and non-polar, with threonine, which is neutral and polar, at codon 1816 of the PLXNA2 protein (p.Ala1816Thr). Advanced modeling of protein sequence and biophysical properties (such as structural, functional, and spatial information, amino acid conservation, physicochemical variation, residue mobility, and thermodynamic stability) performed at Invitae indicates that this missense variant is not expected to disrupt PLXNA2 protein function. In summary, the available evidence is currently insufficient to determine the role of this variant in disease. Therefore, it has been classified as a Variant of Uncertain Significance.